The following is an entry in ClinVar:

NM_004260.4(RECQL4):c.3236+13_3236+14delinsTA

Gene: RECQL4 (RecQ like helicase 4; minus strand). Cytogenetic location: 8q24.3.
Variant type: Indel.
Coding change: c.3236+13_3236+14delinsTA on transcript NM_004260.4 (MANE Select); bases 13 to 14 of the intron after coding-DNA position 3236, CG replaced by TA.
Molecular consequence: intron variant.
Genome position (GRCh38, 1-based): chr8:144,512,130-144,512,131, CG replaced by TA on the plus strand (CG replaced by TA on the coding strand, the reverse complement: RECQL4 is on the minus strand). VCF-style: chr8-144512130-CG-TA. GRCh37 (hg19) VCF-style: chr8-145737513-CG-TA.
Other names: c.3107+13_3107+14delinsTA (NM_001413025.1); c.2885+13_2885+14delinsTA (NM_001413029.1); c.2099+13_2099+14delinsTA (NM_001413032.1, NM_001413027.1, NM_001413030.1); c.2165+13_2165+14delinsTA (NM_001413035.1, NM_001413040.1, NM_001413021.1 and 4 more transcripts); c.2942+13_2942+14delinsTA (NM_001413017.1); c.3140+13_3140+14delinsTA (NM_001413020.1); c.3206+13_3206+14delinsTA (NM_001413039.1); c.3104+13_3104+14delinsTA (NM_001413033.1); and 9 more.
Identifiers: ClinVar variation 2756654 (VCV002756654.3), dbSNP rs2537976284, ClinGen allele CA2697550232.

ClinVar aggregate classification (germline): Uncertain significance (1 of 4 stars; one submission).

Conditions:
Baller-Gerold syndrome (BGS). Also called: CRANIOSYNOSTOSIS WITH RADIAL DEFECTS. Identifiers: Orphanet 1225, MedGen C0265308, MONDO:0009039, OMIM 218600.

Submission:

Labcorp Genetics (formerly Invitae), Labcorp
Classification: Uncertain significance for Baller-Gerold syndrome. Last evaluated: 2025-02-17. Review status: criteria provided, single submitter. Criteria: Invitae Variant Classification Sherloc (09022015). Collection method: clinical testing. Allele origin: germline.
Comment: This sequence change falls in intron 18 of the RECQL4 gene. It does not directly change the encoded amino acid sequence of the RECQL4 protein. Information on the frequency of this variant in the gnomAD database is not available, as this variant may be reported differently in the database. This variant has not been reported in the literature in individuals affected with RECQL4-related conditions. ClinVar contains an entry for this variant (Variation ID: 2756654). Experimental studies and prediction algorithms are not available or were not evaluated, and the effect of this variant on mRNA splicing is currently unknown. In summary, the available evidence is currently insufficient to determine the role of this variant in disease. Therefore, it has been classified as a Variant of Uncertain Significance.